The following is an entry in ClinVar:

ClinVar aggregate classification (germline): Uncertain significance (1 of 4 stars; one submission).

gnomAD v4.1: 2 of 1,614,212 alleles (0.00012%); highest among the groups gnomAD compares: Non-Finnish European, 0.00017%; no homozygotes.

Submission:

Labcorp Genetics (formerly Invitae), Labcorp
Classification: Uncertain significance. Last evaluated: 2024-01-31. Review status: criteria provided, single submitter. Criteria: Invitae Variant Classification Sherloc (09022015). Collection method: clinical testing. Allele origin: germline.
Comment: This sequence change replaces glutamic acid, which is acidic and polar, with glutamine, which is neutral and polar, at codon 1012 of the JAK1 protein (p.Glu1012Gln). This variant is not present in population databases (gnomAD no frequency). This variant has not been reported in the literature in individuals affected with JAK1-related conditions. Advanced modeling of protein sequence and biophysical properties (such as structural, functional, and spatial information, amino acid conservation, physicochemical variation, residue mobility, and thermodynamic stability) performed at Invitae indicates that this missense variant is not expected to disrupt JAK1 protein function with a negative predictive value of 80%. In summary, the available evidence is currently insufficient to determine the role of this variant in disease. Therefore, it has been classified as a Variant of Uncertain Significance.

NM_002227.4(JAK1):c.3034G>C (p.Glu1012Gln)

Gene: JAK1 (Janus kinase 1; minus strand). Cytogenetic location: 1p31.3.
Variant type: single nucleotide variant.
Coding change: c.3034G>C on transcript NM_002227.4 (MANE Select); coding-DNA position 3034, G replaced by C.
Protein change: p.Glu1012Gln; replaces glutamic acid 1012 with glutamine.
Molecular consequence: missense variant.
Genome position (GRCh38, 1-based): chr1:64,838,038, C>G on the plus strand (G>C on the coding strand, the complement: JAK1 is on the minus strand). VCF-style: chr1-64838038-C-G. GRCh37 (hg19) VCF-style: chr1-65303721-C-G.
Other names: c.3034G>C, p.Glu1012Gln (NM_001320923.2, NM_001321852.2, NM_001321853.2 and 3 more transcripts); c.3031G>C, p.Glu1011Gln (NM_001321857.2); short protein forms E1012Q, E1011Q.
Identifiers: ClinVar variation 2707855 (VCV002707855.3), dbSNP rs1654601532, ClinGen allele CA340662564.